The following is an entry in ClinVar:

ClinVar aggregate classification (germline): Likely pathogenic (1 of 4 stars; one submission).

Conditions:
Deficiency of alpha-mannosidase (MANSA). Also called: Alpha-Mannosidosis; Mannosidosis, alpha-, types I and II; LYSOSOMAL ALPHA-D-MANNOSIDASE DEFICIENCY. Identifiers: Orphanet 61, MedGen C0024748, MONDO:0009561, OMIM 248500.

Submission:

Natera, Inc.
Classification: Likely pathogenic for Alpha-mannosidosis. Last evaluated: 2025-08-01. Review status: criteria provided, single submitter. Criteria: Natera Variant Classification Schema (03/2026). Collection method: clinical testing. Allele origin: germline.
Comment: The c.1807_1808dup variant in MAN2B1 is a frameshift variant predicted to shift the reading frame beginning at codon 604 and leads to a stop codon 3 codons downstream. This variant is expected to result in nonsense mediated decay, truncation, or a dysfunctional protein product. This variant is rare in the general population with a frequency below the threshold expected for the associated phenotype(s). Given the available evidence, this variant is classified as Likely Pathogenic.

NM_000528.4(MAN2B1):c.1807_1808dup (p.Ala604fs)

Gene: MAN2B1 (mannosidase alpha class 2B member 1; minus strand). Cytogenetic location: 19p13.13.
Variant type: Duplication.
Coding change: c.1807_1808dup on transcript NM_000528.4 (MANE Select); coding-DNA positions 1807 to 1808, 2 bases duplicated (CC; older notation c.1807_1808dupCC).
Protein change: p.Ala604fs; shifts the reading frame from alanine 604.
Molecular consequence: frameshift variant.
Genome position (GRCh38, 1-based): chr19:12,655,716-12,655,717, GG duplicated on the plus strand (CC on the coding strand, the reverse complement: MAN2B1 is on the minus strand); duplicating any 2 consecutive bases within chr19:12,655,716-12,655,719 gives the same sequence; the c. name uses the placement nearest the transcript's 3' end. VCF-style (leftmost placement, unchanged base first): chr19-12655715-A-AGG. GRCh37 (hg19) VCF-style: chr19-12766529-A-AGG.
Other names: c.1804_1805dup, p.Ala603fs (NM_001173498.2); c.1810_1811dup, p.Ala605fs (NM_001440570.1); short protein forms A603fs, A604fs, A605fs.
Identifiers: ClinVar variation 4814307 (VCV004814307.1).